The following is an entry in ClinVar:

NM_198253.3(TERT):c.3062T>G (p.Phe1021Cys)

Gene: TERT (telomerase reverse transcriptase; minus strand). Cytogenetic location: 5p15.33.
Variant type: single nucleotide variant.
Coding change: c.3062T>G on transcript NM_198253.3 (MANE Select); coding-DNA position 3062, T replaced by G.
Protein change: p.Phe1021Cys; replaces phenylalanine 1021 with cysteine.
Molecular consequence: missense variant. On other transcripts: non-coding transcript variant (2).
Genome position (GRCh38, 1-based): chr5:1,255,382, A>C on the plus strand (T>G on the coding strand, the complement: TERT is on the minus strand). VCF-style: chr5-1255382-A-C. GRCh37 (hg19) VCF-style: chr5-1255497-A-C.
Other names: c.2873T>G, p.Phe958Cys (NM_001193376.3); short protein forms F958C, F1021C.
Identifiers: ClinVar variation 1357746 (VCV001357746.8), dbSNP rs2126562843, ClinGen allele CA359068314.
Genomic context (GRCh38, chr5:1,255,382, plus strand): 5'-GAGGCCGTGTCAGAGATGACGCGCAGGAAAAATGTGGGGTTCTTCCAAACTTGCTGATGA[A>C]ATGGGAGCTGCAGCACACATGCGTGAAACCTGAGAGGATGGCGGACAGCGTCAGAGGAAA-3'
Protein context (NP_937983.2, residues 1011-1031): RFHACVLQLP[Phe1021Cys]HQQVWKNPTF

ClinVar aggregate classification (germline): Uncertain significance (1 of 4 stars; one submission).

Conditions:
Idiopathic Pulmonary Fibrosis. Also called: Idiopathic fibrosing alveolitis, chronic form; idiopathic fibrosing alveolitis. Identifiers: Orphanet 2032, MedGen C1800706, MeSH D054990, MONDO:0800504.
Dyskeratosis congenita, autosomal dominant 2. Identifiers: MedGen C3151443, MONDO:0013521, OMIM 613989.

gnomAD v4.1: 1 of 1,614,206 alleles (0.000062%); highest among the groups gnomAD compares: Non-Finnish European, 0.000085%; no homozygotes.

Submission:

Labcorp Genetics (formerly Invitae), Labcorp
Classification: Uncertain significance for Dyskeratosis congenita, autosomal dominant 2; Idiopathic Pulmonary Fibrosis. Last evaluated: 2023-08-17. Review status: criteria provided, single submitter. Criteria: Invitae Variant Classification Sherloc (09022015). Collection method: clinical testing. Allele origin: germline.
Comment: Advanced modeling of protein sequence and biophysical properties (such as structural, functional, and spatial information, amino acid conservation, physicochemical variation, residue mobility, and thermodynamic stability) performed at Invitae indicates that this missense variant is expected to disrupt TERT protein function. ClinVar contains an entry for this variant (Variation ID: 1357746). This variant has not been reported in the literature in individuals affected with TERT-related conditions. This variant is not present in population databases (gnomAD no frequency). This sequence change replaces phenylalanine, which is neutral and non-polar, with cysteine, which is neutral and slightly polar, at codon 1021 of the TERT protein (p.Phe1021Cys). In summary, the available evidence is currently insufficient to determine the role of this variant in disease. Therefore, it has been classified as a Variant of Uncertain Significance.